The following is an entry in ClinVar:

ClinVar aggregate classification (germline): Likely benign (1 of 4 stars; one submission).

gnomAD v4.1: 1,159 of 1,214,720 alleles (0.095%); highest among the groups gnomAD compares: Non-Finnish European, 0.12%; 1 homozygote.

Submission:

Mayo Clinic Laboratories, Mayo Clinic
Classification: Likely benign. Last evaluated: 2025-03-21. Review status: criteria provided, single submitter. Criteria: ACMG Guidelines, 2015. Collection method: clinical testing. Allele origin: germline. Observed: 2 variant alleles.
Comment: BS1

NM_000443.4(ABCB4):c.1894-23T>C

Gene: ABCB4 (ATP binding cassette subfamily B member 4; minus strand). Cytogenetic location: 7q21.12.
Variant type: single nucleotide variant.
Coding change: c.1894-23T>C on transcript NM_000443.4 (MANE Select); 23 bases into the intron before coding-DNA position 1894, T replaced by C.
Molecular consequence: intron variant.
Genome position (GRCh38, 1-based): chr7:87,426,943, A>G on the plus strand (T>C on the coding strand, the complement: ABCB4 is on the minus strand). VCF-style: chr7-87426943-A-G. GRCh37 (hg19) VCF-style: chr7-87056259-A-G.
Other names: p.?; c.1894-23T>C (NM_018850.3, NM_018849.3).
Identifiers: ClinVar variation 4683283 (VCV004683283.1).